The following is an entry in ClinVar:

NM_004793.4(LONP1):c.2838C>A (p.Ala946=)

Gene: LONP1 (lon peptidase 1, mitochondrial; minus strand). Cytogenetic location: 19p13.3.
Variant type: single nucleotide variant.
Coding change: c.2838C>A on transcript NM_004793.4 (MANE Select); coding-DNA position 2838, C replaced by A.
Protein change: p.Ala946=; no amino-acid change (alanine 946 retained).
Molecular consequence: synonymous variant. On other transcripts: non-coding transcript variant (1).
Genome position (GRCh38, 1-based): chr19:5,692,074, G>T on the plus strand (C>A on the coding strand, the complement: LONP1 is on the minus strand). VCF-style: chr19-5692074-G-T. GRCh37 (hg19) VCF-style: chr19-5692085-G-T.
Other names: c.2646C>A, p.Ala882= (NM_001276479.2); c.2250C>A, p.Ala750= (NM_001276480.1).
Identifiers: ClinVar variation 2649118 (VCV002649118.24), dbSNP rs2512378410, ClinGen allele CA403524724.

ClinVar aggregate classification (germline): Likely benign (1 of 4 stars; one submission).

Submission:

CeGaT Center for Human Genetics Tuebingen
Classification: Likely benign. Last evaluated: 2022-11-01. Review status: criteria provided, single submitter. Criteria: CeGaT Center For Human Genetics Tuebingen Variant Classification Criteria Version 2. Collection method: clinical testing. Allele origin: germline. Affected: yes. Observed: 1 variant allele.
Comment: LONP1: PM2:Supporting, BP4, BP7